The following is an entry in ClinVar:

ClinVar aggregate classification (germline): Pathogenic/Likely pathogenic. Review status: criteria provided, multiple submitters, no conflicts (2 of 4 stars). 5 submissions from 5 submitters: Pathogenic (3); Likely pathogenic (2). Last evaluated 2025-06-06.

Conditions:
Breast and/or ovarian cancer. Identifiers: MedGen CN221562.
Hereditary cancer-predisposing syndrome. Also called: Hereditary Cancer Syndrome; Hereditary neoplastic syndrome; Neoplastic Syndromes, Hereditary; Tumor predisposition. Identifiers: Orphanet 140162, MedGen C0027672, MeSH D009386, MONDO:0015356.
Hereditary breast ovarian cancer syndrome. Also called: BRCA1- and BRCA2-Associated Hereditary Breast and Ovarian Cancer; Hereditary breast and ovarian cancer syndrome; Hereditary breast and ovarian cancer syndrome (HBOC); Breast and ovarian cancer; Hereditary breast and ovarian cancer; Hereditary breast and/or ovarian cancer syndrome. Identifiers: Orphanet 145, MedGen C0677776, MeSH D061325, MONDO:0003582. Disease mechanism: loss of function.
Breast-ovarian cancer, familial, susceptibility to, 2 (BROVCA2). Also called: BRCA2 Hereditary Breast and Ovarian Cancer. Identifiers: Orphanet 145, MedGen C2675520, MONDO:0012933, OMIM 612555. Disease mechanism: loss of function.

Submissions (5):

Ambry Genetics
Classification: Pathogenic for Hereditary cancer-predisposing syndrome. Last evaluated: 2025-06-06. Review status: criteria provided, single submitter. Criteria: Ambry Variant Classification Scheme 2023. Collection method: clinical testing. Allele origin: germline.
Comment: The c.4803dupT pathogenic mutation, located in coding exon 10 of the BRCA2 gene, results from a duplication of T at nucleotide position 4803, causing a translational frameshift with a predicted alternate stop codon (p.K1602*). This variant is considered to be rare based on population cohorts in the Genome Aggregation Database (gnomAD). In addition to the clinical data presented in the literature, this alteration is expected to result in loss of function by premature protein truncation or nonsense-mediated mRNA decay. As such, this alteration is interpreted as a disease-causing mutation.

Labcorp Genetics (formerly Invitae), Labcorp
Classification: Pathogenic for Hereditary breast ovarian cancer syndrome. Last evaluated: 2024-12-15. Review status: criteria provided, single submitter. Criteria: Invitae Variant Classification Sherloc (09022015). Collection method: clinical testing. Allele origin: germline.
Comment: This sequence change creates a premature translational stop signal (p.Lys1602*) in the BRCA2 gene. It is expected to result in an absent or disrupted protein product. Loss-of-function variants in BRCA2 are known to be pathogenic (PMID: 20104584). This variant is not present in population databases (gnomAD no frequency). This premature translational stop signal has been observed in individual(s) with breast cancer (PMID: 29020660). ClinVar contains an entry for this variant (Variation ID: 920935). For these reasons, this variant has been classified as Pathogenic.

New York Genome Center
Classification: Likely pathogenic for Breast-ovarian cancer, familial, susceptibility to, 2. Last evaluated: 2022-05-24. Review status: criteria provided, single submitter. Criteria: NYGC Assertion Criteria 2020. Collection method: clinical testing. Allele origin: inherited. Observed: 1 heterozygote. Study: PrenatalSEQ.
Comment: The c.4803dup p.(Lys1602Ter) variant in the BRCA2 gene has previously been reported in an individual with breast cancer [PMID: 29020660] and it has been deposited in ClinVar as Pathogenic by a single submitter [ClinVar ID: 920935]. The c.4803dup variant is absent from population databases (gnomAD v2.1.1 and v3.1.2, TOPMed Freeze 8), suggesting it is not a common benign variant in the populations represented in those databases. The c.4803dup variant is located in exon 11 of this 27-exon gene, is predicted to incorporate a premature translation termination codon at amino acid number 1602 of this 3418-amino-acid protein [p.(Lys1602Ter)] and is expected to result in loss-of-function either through protein truncation or nonsense-mediated mRNA decay. Multiple loss-of-function variants downstream of the c.4803dup variant have been reported in the literature in individuals affected with BRCA2-associated disorders [PMID:29446198]. Based on available evidence, this inherited c.4803dup p.(Lys1602Ter) variant identified in the BRCA2 gene is classified as Likely Pathogenic.

CHEO Genetics Diagnostic Laboratory, Children's Hospital of Eastern Ontario
Classification: Likely pathogenic for Breast and/or ovarian cancer. Last evaluated: 2021-08-26. Review status: criteria provided, single submitter. Criteria: ACMG Guidelines, 2015. Collection method: clinical testing. Allele origin: germline.

Color Diagnostics, LLC DBA Color Health
Classification: Pathogenic for Hereditary cancer-predisposing syndrome. Last evaluated: 2020-01-21. Review status: criteria provided, single submitter. Criteria: ACMG Guidelines, 2015. Collection method: clinical testing. Allele origin: germline.
Comment: This variant inserts 1 nucleotide in exon 11 of the BRCA2 gene, creating a premature translation stop signal. This variant is expected to result in an absent or non-functional protein product. Splice site prediction tools suggest that this variant may not impact RNA splicing. To our knowledge, functional studies have not been performed for this variant. This variant has been reported in an individual affected with breast cancer (PMID: 29020660). This variant has not been identified in the general population by the Genome Aggregation Database (gnomAD). Loss of BRCA2 function is a known mechanism of disease. Based on the available evidence, this variant is classified as Pathogenic.

Literature cited by the submitters: PubMed 32438681 (cited by Ambry Genetics); PubMed 20104584 (cited by Labcorp Genetics (formerly Invitae), Labcorp); PubMed 29020660 (cited by Labcorp Genetics (formerly Invitae), Labcorp).

NM_000059.4(BRCA2):c.4803dup (p.Lys1602Ter)

Gene: BRCA2 (BRCA2 DNA repair associated; plus strand). Cytogenetic location: 13q13.1.
Variant type: Duplication.
Coding change: c.4803dup on transcript NM_000059.4 (MANE Select); coding-DNA position 4803, one base duplicated (T; older notation c.4803dupT).
Protein change: p.Lys1602Ter; replaces lysine 1602 with a stop codon.
Molecular consequence: nonsense.
Genome position (GRCh38, 1-based): chr13:32,339,158, T duplicated. VCF-style (leftmost placement, unchanged base first): chr13-32339157-A-AT. GRCh37 (hg19) VCF-style: chr13-32913294-A-AT.
Other names: c.4803dupT (NM_000059.3); short protein forms K1602*.
Identifiers: ClinVar variation 920935 (VCV000920935.13), dbSNP rs2072513173, ClinGen allele CA1139663216.
Genomic context (GRCh38, chr13:32,339,157, plus strand): 5'-AGACCATTGAGATCACAGCTGCCCCAAAGTGTAAAGAAATGCAGAATTCTCTCAATAATG[A>AT]TAAAAACCTTGTTTCTATTGAGACTGTGGTGCCACCTAAGCTCTTAAGTGATAATTTATG-3'